The following is an entry in ClinVar:

NM_000038.6(APC):c.4295C>T (p.Pro1432Leu)

Gene: APC (APC regulator of Wnt signaling pathway; plus strand). Cytogenetic location: 5q22.2.
Variant type: single nucleotide variant.
Coding change: c.4295C>T on transcript NM_000038.6 (MANE Select); coding-DNA position 4295, C replaced by T.
Protein change: p.Pro1432Leu; replaces proline 1432 with leucine.
Molecular consequence: missense variant.
Genome position (GRCh38, 1-based): chr5:112,839,889, C>T. VCF-style: chr5-112839889-C-T. GRCh37 (hg19) VCF-style: chr5-112175586-C-T.
Other names: c.4295C>T, p.Pro1432Leu (NM_001127510.3, NM_001354895.2); c.4241C>T, p.Pro1414Leu (NM_001127511.3); c.4349C>T, p.Pro1450Leu (NM_001354896.2); c.4325C>T, p.Pro1442Leu (NM_001354897.2); c.4220C>T, p.Pro1407Leu (NM_001354898.2); c.4211C>T, p.Pro1404Leu (NM_001354899.2); c.4172C>T, p.Pro1391Leu (NM_001354900.2); c.4118C>T, p.Pro1373Leu (NM_001354901.2); and 5 more; short protein forms P1341L, P1149L, P1272L, P1306L, P1373L, P1391L, P1407L, P1414L.
Identifiers: ClinVar variation 861517 (VCV000861517.20), dbSNP rs1765644448, ClinGen allele CA16030746.

ClinVar aggregate classification (germline): Uncertain significance. Review status: criteria provided, multiple submitters, no conflicts (2 of 4 stars). 5 submissions from 5 submitters: Uncertain significance (4). 1 of the submissions does not count toward it. Last evaluated 2024-12-22.

Conditions:
Hereditary cancer-predisposing syndrome. Also called: Tumor predisposition; Hereditary neoplastic syndrome; Neoplastic Syndromes, Hereditary; Hereditary Cancer Syndrome. Identifiers: Orphanet 140162, MedGen C0027672, MeSH D009386, MONDO:0015356.
Classic or attenuated familial adenomatous polyposis. Identifiers: MedGen CN372698, MONDO:0021057.
APC-related disorder. Also called: APC-related condition.
Familial adenomatous polyposis 1 (FAP1). Also called: POLYPOSIS, ADENOMATOUS INTESTINAL; FAMILIAL ADENOMATOUS POLYPOSIS 1, ATTENUATED. Identifiers: MedGen C2713442, MONDO:0021056, OMIM 175100. Disease mechanism: loss of function.

Submissions (5):

Labcorp Genetics (formerly Invitae), Labcorp
Classification: Uncertain significance for Familial adenomatous polyposis 1. Last evaluated: 2024-12-22. Review status: criteria provided, single submitter. Criteria: Invitae Variant Classification Sherloc (09022015). Collection method: clinical testing. Allele origin: germline.
Comment: This sequence change replaces proline, which is neutral and non-polar, with leucine, which is neutral and non-polar, at codon 1432 of the APC protein (p.Pro1432Leu). This variant is not present in population databases (gnomAD no frequency). This variant has not been reported in the literature in individuals affected with APC-related conditions. ClinVar contains an entry for this variant (Variation ID: 861517). Invitae Evidence Modeling of protein sequence and biophysical properties (such as structural, functional, and spatial information, amino acid conservation, physicochemical variation, residue mobility, and thermodynamic stability) indicates that this missense variant is not expected to disrupt APC protein function with a negative predictive value of 95%. In summary, the available evidence is currently insufficient to determine the role of this variant in disease. Therefore, it has been classified as a Variant of Uncertain Significance.

Ambry Genetics
Classification: Uncertain significance for Hereditary cancer-predisposing syndrome. Last evaluated: 2024-09-18. Review status: criteria provided, single submitter. Criteria: Ambry Variant Classification Scheme 2023. Collection method: clinical testing. Allele origin: germline.
Comment: The p.P1432L variant (also known as c.4295C>T), located in coding exon 15 of the APC gene, results from a C to T substitution at nucleotide position 4295. The proline at codon 1432 is replaced by leucine, an amino acid with similar properties. This amino acid position is highly conserved in available vertebrate species. In addition, in silico predictors for this gene do not accurately predict pathogenicity. Missense alterations in APC are not a common cause of disease (Spier I et al. Genet Med. 2024 Feb;26(2):100992). Based on the available evidence, the clinical significance of this variant remains unclear.

Color Diagnostics, LLC DBA Color Health
Classification: Uncertain significance for Hereditary cancer-predisposing syndrome. Last evaluated: 2023-06-27. Review status: criteria provided, single submitter. Criteria: ACMG Guidelines, 2015. Collection method: clinical testing. Allele origin: germline.
Comment: This missense variant replaces proline with leucine at codon 1432 of the APC protein. Computational prediction is inconclusive regarding the impact of this variant on protein structure and function (internally defined REVEL score threshold 0.5 < inconclusive < 0.7, PMID: 27666373). To our knowledge, functional studies have not been reported for this variant. This variant has not been reported in individuals affected with APC-related disorders in the literature. This variant has not been identified in the general population by the Genome Aggregation Database (gnomAD). The available evidence is insufficient to determine the role of this variant in disease conclusively. Therefore, this variant is classified as a Variant of Uncertain Significance.

All of Us Research Program, National Institutes of Health
Classification: Uncertain significance for Classic or attenuated familial adenomatous polyposis. Last evaluated: 2023-03-28. Review status: criteria provided, single submitter. Criteria: ACMG Guidelines, 2015. Collection method: clinical testing. Allele origin: germline. Inheritance: Autosomal dominant inheritance. Observed: 1 variant allele, 1 heterozygote.
Comment: This missense variant replaces proline with leucine at codon 1432 of the APC protein. Computational prediction is inconclusive regarding the impact of this variant on protein structure and function (internally defined REVEL score threshold 0.5 < inconclusive < 0.7, PMID: 27666373). To our knowledge, functional studies have not been reported for this variant. This variant has not been reported in individuals affected with hereditary cancer in the literature. This variant has not been identified in the general population by the Genome Aggregation Database (gnomAD). The available evidence is insufficient to determine the role of this variant in disease conclusively. Therefore, this variant is classified as a Variant of Uncertain Significance.

This study involves interpretation of variants in research participants for the purpose of population health screening. Participant phenotype was not available at the time of variant classification. Additional details can be found in publication PMID: 35346344, PMCID: PMC8962531

PreventionGenetics, part of Exact Sciences
Classification: Uncertain significance for APC-related condition. Last evaluated: 2024-04-17. Review status: no assertion criteria provided. Collection method: clinical testing. Allele origin: germline. Not counted in ClinVar's aggregate classification.
Comment: The APC c.4295C>T variant is predicted to result in the amino acid substitution p.Pro1432Leu. To our knowledge, this variant has not been reported in the literature or in a large population database, indicating this variant is rare. This variant has been reported in ClinVar as uncertain. At this time, the clinical significance of this variant is uncertain due to the absence of conclusive functional and genetic evidence.